The following is an entry in ClinVar:

NM_000540.3(RYR1):c.1670C>T (p.Ser557Phe)

Gene: RYR1 (ryanodine receptor 1; plus strand). Cytogenetic location: 19q13.2.
Variant type: single nucleotide variant.
Coding change: c.1670C>T on transcript NM_000540.3 (MANE Select); coding-DNA position 1670, C replaced by T.
Protein change: p.Ser557Phe; replaces serine 557 with phenylalanine.
Molecular consequence: missense variant.
Genome position (GRCh38, 1-based): chr19:38,455,544, C>T. VCF-style: chr19-38455544-C-T. GRCh37 (hg19) VCF-style: chr19-38946184-C-T.
Other names: c.1670C>T, p.Ser557Phe (NM_001042723.2); short protein forms S557F.
Identifiers: ClinVar variation 854823 (VCV000854823.9), dbSNP rs1967329033, ClinGen allele CA405690551.

ClinVar aggregate classification (germline): Pathogenic (1 of 4 stars; one submission).

Conditions:
RYR1-related disorder. Also called: RYR1-related disorders; RYR1-related condition. Identifiers: MedGen CN239331.

Submission:

Labcorp Genetics (formerly Invitae), Labcorp
Classification: Pathogenic for RYR1-related disorder. Last evaluated: 2020-01-06. Review status: criteria provided, single submitter. Criteria: Invitae Variant Classification Sherloc (09022015). Collection method: clinical testing. Allele origin: germline.
Comment: This sequence change replaces serine with phenylalanine at codon 557 of the RYR1 protein (p.Ser557Phe). The serine residue is highly conserved and there is a large physicochemical difference between serine and phenylalanine. This variant is not present in population databases (ExAC no frequency). This variant has been observed in individual(s) with malignant hyperthermia (Invitae). In at least one individual the variant was observed to be de novo. Algorithms developed to predict the effect of missense changes on protein structure and function are either unavailable or do not agree on the potential impact of this missense change (SIFT: "Deleterious"; PolyPhen-2: "Probably Damaging"; Align-GVGD: "Class C15"). This missense change is located in a region of the RYR1 protein where a significant number of previously reported RYR1 missense mutations are found (PMID: 16084090). These observations suggest that this may be a clinically significant region of the protein. For these reasons, this variant has been classified as Pathogenic.

Literature cited by the submitters: PubMed 16084090.